The following is an entry in ClinVar:

NM_006662.3(SRCAP):c.3418C>T (p.Pro1140Ser)

Gene: SRCAP (Snf2 related CREBBP activator protein; plus strand). Cytogenetic location: 16p11.2.
Variant type: single nucleotide variant.
Coding change: c.3418C>T on transcript NM_006662.3 (MANE Select); coding-DNA position 3418, C replaced by T.
Protein change: p.Pro1140Ser; replaces proline 1140 with serine.
Molecular consequence: missense variant.
Genome position (GRCh38, 1-based): chr16:30,721,353, C>T. VCF-style: chr16-30721353-C-T. GRCh37 (hg19) VCF-style: chr16-30732674-C-T.
Other names: short protein forms P1140S.
Identifiers: ClinVar variation 4702595 (VCV004702595.1).
Genomic context (GRCh38, chr16:30,721,353, plus strand): 5'-CCACCTCCAGGCTCCTCTAGCCTGTTGAAGCCCCTGACAGTGCCACCAGGCTACACCTTC[C>T]CTCCTGCTGCTGCCACCACCACTTCTACCACCACGGCAACTGCTACCACCACAGCAGTGC-3'
Protein context (NP_006653.2, residues 1130-1150): PLTVPPGYTF[Pro1140Ser]PAAATTTSTT

ClinVar aggregate classification (germline): Uncertain significance (1 of 4 stars; one submission).

gnomAD v4.1: 3 of 1,614,168 alleles (0.00019%); highest among the groups gnomAD compares: East Asian, 0.0022%; 1 homozygote.

Submission:

Labcorp Genetics (formerly Invitae), Labcorp
Classification: Uncertain significance. Last evaluated: 2025-11-17. Review status: criteria provided, single submitter. Criteria: Invitae Variant Classification Sherloc (09022015). Collection method: clinical testing. Allele origin: germline.
Comment: This sequence change replaces proline, which is neutral and non-polar, with serine, which is neutral and polar, at codon 1140 of the SRCAP protein (p.Pro1140Ser). This variant is present in population databases (no rsID available, gnomAD 0.006%), including at least one homozygous and/or hemizygous individual. This variant has not been reported in the literature in individuals affected with SRCAP-related conditions. Invitae Evidence Modeling of protein sequence and biophysical properties (such as structural, functional, and spatial information, amino acid conservation, physicochemical variation, residue mobility, and thermodynamic stability) indicates that this missense variant is not expected to disrupt SRCAP protein function with a negative predictive value of 80%. In summary, the available evidence is currently insufficient to determine the role of this variant in disease. Therefore, it has been classified as a Variant of Uncertain Significance.